The following is an entry in ClinVar:

ClinVar aggregate classification (germline): Benign/Likely benign. Review status: criteria provided, multiple submitters, no conflicts (2 of 4 stars). 4 submissions from 4 submitters: Benign (3); Likely benign (1). Last evaluated 2026-09-01.

Allele frequency attached by ClinVar (database versions not stated): 1000 Genomes Project 30x 0.00203; 1000 Genomes Project 0.00220; TOPMed 0.00379; gnomAD 0.00463 and 0.00476; gnomAD exomes 0.00476 and 0.00699; ESP Exome Variant Server 0.00493; ExAC 0.00510.
gnomAD v4.1: 10,812 of 1,614,128 alleles (0.67%); highest among the groups gnomAD compares: Non-Finnish European, 0.8%; 49 homozygotes.

Submissions (5):

CeGaT Center for Human Genetics Tuebingen
Classification: Likely benign. Last evaluated: 2026-09-01. Review status: criteria provided, single submitter. Criteria: CeGaT Center For Human Genetics Tuebingen Variant Classification Criteria Version 2. Collection method: clinical testing. Allele origin: germline. Affected: yes. Observed: 15 variant alleles.
Comment: MED13: BP4, BS2

Labcorp Genetics (formerly Invitae), Labcorp
Classification: Benign. Last evaluated: 2019-12-31. Review status: criteria provided, single submitter. Criteria: Invitae Variant Classification Sherloc (09022015). Collection method: clinical testing. Allele origin: germline.

Genomic Diagnostic Laboratory, Division of Genomic Diagnostics, Children's Hospital of Philadelphia
Classification: Benign. Last evaluated: 2015-08-10. Review status: criteria provided, single submitter. Criteria: DGD Variant Analysis Guidelines. Collection method: clinical testing. Allele origin: unknown.

Breakthrough Genomics
Classification: Benign. Review status: criteria provided, single submitter. Criteria: ACMG Guidelines, 2015. Collection method: not provided. Allele origin: germline. Inheritance: Autosomal dominant inheritance. Affected: yes.

Dr. Peter K. Rogan Lab, Western University
No classification provided (evidence only). Condition: Malignant tumor of urinary bladder. Review status: no classification provided. Collection method: in vitro. Allele origin: not applicable. Functional consequence: retained intron. Not counted in ClinVar's aggregate classification.

NM_005121.3(MED13):c.4642A>G (p.Ser1548Gly)

Gene: MED13 (mediator complex subunit 13; minus strand). Cytogenetic location: 17q23.2.
Variant type: single nucleotide variant.
Coding change: c.4642A>G on transcript NM_005121.3 (MANE Select); coding-DNA position 4642, A replaced by G.
Protein change: p.Ser1548Gly; replaces serine 1548 with glycine.
Molecular consequence: missense variant.
Genome position (GRCh38, 1-based): chr17:61,965,208, T>C on the plus strand (A>G on the coding strand, the complement: MED13 is on the minus strand). VCF-style: chr17-61965208-T-C. GRCh37 (hg19) VCF-style: chr17-60042569-T-C.
Other names: NC_000017.10:g.60042569T>C; short protein forms S1548G.
Identifiers: ClinVar variation 252646 (VCV000252646.31), dbSNP rs140673828, ClinGen allele CA8692384.
Genomic context (GRCh38, chr17:61,965,208, plus strand): 5'-CATTACTGTTCATACTGCCAAAGGGTGGAAACGAAGGTAGTTTATTTGATGATACTCCAC[T>C]ATTCAAGTTGGAGGATGATGAAGATGAAGTTGAAGCTGTGGTCAAAGTTGAATTAGCTGT-3'
Protein context (NP_005112.2, residues 1538-1558): TSSSSSSNLN[Ser1548Gly]GVSSNKLPSF